The following is an entry in ClinVar:

NM_003865.3(HESX1):c.121C>A (p.Pro41Thr)

Gene: HESX1 (HESX homeobox 1; minus strand). Cytogenetic location: 3p14.3.
Variant type: single nucleotide variant.
Coding change: c.121C>A on transcript NM_003865.3 (MANE Select); coding-DNA position 121, C replaced by A.
Protein change: p.Pro41Thr; replaces proline 41 with threonine.
Molecular consequence: missense variant.
Genome position (GRCh38, 1-based): chr3:57,199,798, G>T on the plus strand (C>A on the coding strand, the complement: HESX1 is on the minus strand). VCF-style: chr3-57199798-G-T. GRCh37 (hg19) VCF-style: chr3-57233826-G-T.
Other names: c.121C>A, p.Pro41Thr (NM_001376058.1, NM_001376059.1, NM_001376060.1 and 1 more transcripts); short protein forms P41T.
Identifiers: ClinVar variation 3602311 (VCV003602311.1).

ClinVar aggregate classification (germline): Uncertain significance (1 of 4 stars; one submission).

Submission:

GeneDx
Classification: Uncertain significance. Last evaluated: 2024-07-24. Review status: criteria provided, single submitter. Criteria: GeneDx Variant Classification Process June 2021. Collection method: clinical testing. Allele origin: germline. Affected: yes.
Comment: Not observed at significant frequency in large population cohorts (gnomAD); In silico analysis supports that this missense variant has a deleterious effect on protein structure/function; Has not been previously published as pathogenic or benign to our knowledge